The following is an entry in ClinVar:

NM_000395.3(CSF2RB):c.502G>T (p.Asp168Tyr)

Gene: CSF2RB (colony stimulating factor 2 receptor subunit beta; plus strand). Cytogenetic location: 22q12.3.
Variant type: single nucleotide variant.
Coding change: c.502G>T on transcript NM_000395.3 (MANE Select); coding-DNA position 502, G replaced by T.
Protein change: p.Asp168Tyr; replaces aspartic acid 168 with tyrosine.
Molecular consequence: missense variant.
Genome position (GRCh38, 1-based): chr22:36,929,512, G>T. VCF-style: chr22-36929512-G-T. GRCh37 (hg19) VCF-style: chr22-37325554-G-T.
Other names: c.502G>T, p.Asp168Tyr (NM_001410827.1); short protein forms D168Y.
Identifiers: ClinVar variation 2110838 (VCV002110838.4), dbSNP rs756516150, ClinGen allele CA10213490.

ClinVar aggregate classification (germline): Uncertain significance (1 of 4 stars; one submission).

Allele frequency attached by ClinVar (database versions not stated): gnomAD exomes below 0.00001; ExAC 0.00001; TOPMed 0.00001.
gnomAD v4.1: 2 of 1,614,216 alleles (0.00012%); highest among the groups gnomAD compares: African/African-American, 0.0013%; no homozygotes.

Submission:

Labcorp Genetics (formerly Invitae), Labcorp
Classification: Uncertain significance. Last evaluated: 2022-07-30. Review status: criteria provided, single submitter. Criteria: Invitae Variant Classification Sherloc (09022015). Collection method: clinical testing. Allele origin: germline.
Comment: This sequence change replaces aspartic acid, which is acidic and polar, with tyrosine, which is neutral and polar, at codon 168 of the CSF2RB protein (p.Asp168Tyr). This variant is present in population databases (rs756516150, gnomAD 0.003%). In summary, the available evidence is currently insufficient to determine the role of this variant in disease. Therefore, it has been classified as a Variant of Uncertain Significance. Algorithms developed to predict the effect of missense changes on protein structure and function are either unavailable or do not agree on the potential impact of this missense change (SIFT: "Tolerated"; PolyPhen-2: "Possibly Damaging"; Align-GVGD: "Class C0"). This variant has not been reported in the literature in individuals affected with CSF2RB-related conditions.